The following is an entry in ClinVar:

NM_005633.4(SOS1):c.-15C>T

Genes: SOS1 (SOS Ras/Rac guanine nucleotide exchange factor 1; minus strand), LOC129933535 (ATAC-STARR-seq lymphoblastoid silent region 11384; plus strand). Cytogenetic location: 2p22.1.
Variant type: single nucleotide variant.
Coding change: c.-15C>T on transcript NM_005633.4 (MANE Select); 15 bases upstream of the start codon, C replaced by T.
Molecular consequence: 5 prime UTR variant. On other transcripts: intron variant (1).
Genome position (GRCh38, 1-based): chr2:39,120,437, G>A on the plus strand (C>T on the coding strand, the complement: SOS1 is on the minus strand). VCF-style: chr2-39120437-G-A. GRCh37 (hg19) VCF-style: chr2-39347578-G-A.
Other names: c.-15C>T (NM_001382395.1); c.66+4227C>T (NM_001382394.1).
Identifiers: ClinVar variation 165290 (VCV000165290.5), dbSNP rs727503439, ClinGen allele CA178030.

ClinVar aggregate classification (germline): Uncertain significance (1 of 4 stars; one submission).

Allele frequency attached by ClinVar (database versions not stated): gnomAD exomes below 0.00001; ExAC 0.00001; gnomAD 0.00003.
gnomAD v4.1: 6 of 1,570,600 alleles (0.00038%); highest among the groups gnomAD compares: Admixed American, 0.0071%; no homozygotes.

Submission:

Laboratory for Molecular Medicine, Mass General Brigham Personalized Medicine
Classification: Uncertain significance. Last evaluated: 2013-08-23. Review status: criteria provided, single submitter. Criteria: LMM Criteria. Collection method: clinical testing. Allele origin: germline. Observed: 1 variant allele.
Comment: The -15C>T variant in SOS1 has not been previously reported in our laboratory or in the literature. The frequency of this variant in large European American and African American populations cannot be determined from the NHLBI Exome Sequenci ng Project because coverage at this position was insufficient. This variant is located in the 5' untranslated region (5' UTR) and does not affect the coding sequence of the gene. Although we cannot rule ou t a deleterious impact on the regulation of splicing or translation of SOS1, to date no pathogenic variants have been found in this region of the transcript. In summary, additional studies are needed to determine the clinical significance o f the -15C>T variant.